The following is an entry in ClinVar:

ClinVar aggregate classification (germline): Uncertain significance (1 of 4 stars; one submission).

Conditions:
Posterior column ataxia-retinitis pigmentosa syndrome (RETSNS). Also called: RETINOPATHY-SENSORY NEUROPATHY SYNDROME. Identifiers: Orphanet 88628, MedGen C1836916, MONDO:0012177, OMIM 609033.

Submission:

MGZ Medical Genetics Center
Classification: Uncertain significance for Posterior column ataxia-retinitis pigmentosa syndrome. Last evaluated: 2022-05-04. Review status: criteria provided, single submitter. Criteria: ACMG Guidelines, 2015. Collection method: clinical testing. Allele origin: germline. Affected: yes. Observed: 1 variant allele.
Comment: ACMG criteria applied: PM2_SUP

NM_014053.4(FLVCR1):c.673G>A (p.Ala225Thr)

Gene: FLVCR1 (FLVCR choline and heme transporter 1; plus strand). Cytogenetic location: 1q32.3.
Variant type: single nucleotide variant.
Coding change: c.673G>A on transcript NM_014053.4 (MANE Select); coding-DNA position 673, G replaced by A.
Protein change: p.Ala225Thr; replaces alanine 225 with threonine.
Molecular consequence: missense variant.
Genome position (GRCh38, 1-based): chr1:212,859,125, G>A. VCF-style: chr1-212859125-G-A. GRCh37 (hg19) VCF-style: chr1-213032467-G-A.
Other names: short protein forms A225T.
Identifiers: ClinVar variation 1709655 (VCV001709655.2), dbSNP rs2464388711, ClinGen allele CA344797438.